The following is an entry in ClinVar:

ClinVar aggregate classification (germline): Uncertain significance (1 of 4 stars; one submission).

Allele frequency attached by ClinVar (database versions not stated): gnomAD exomes below 0.00001; TOPMed below 0.00001.
gnomAD v4.1: 5 of 1,614,150 alleles (0.00031%); highest among the groups gnomAD compares: Non-Finnish European, 0.00042%; no homozygotes.

Submission:

Labcorp Genetics (formerly Invitae), Labcorp
Classification: Uncertain significance. Last evaluated: 2022-12-09. Review status: criteria provided, single submitter. Criteria: Invitae Variant Classification Sherloc (09022015). Collection method: clinical testing. Allele origin: germline.
Comment: This sequence change replaces serine, which is neutral and polar, with isoleucine, which is neutral and non-polar, at codon 3112 of the KMT2A protein (p.Ser3112Ile). This variant is not present in population databases (gnomAD no frequency). This variant has not been reported in the literature in individuals affected with KMT2A-related conditions. Advanced modeling of protein sequence and biophysical properties (such as structural, functional, and spatial information, amino acid conservation, physicochemical variation, residue mobility, and thermodynamic stability) performed at Invitae indicates that this missense variant is not expected to disrupt KMT2A protein function. In summary, the available evidence is currently insufficient to determine the role of this variant in disease. Therefore, it has been classified as a Variant of Uncertain Significance.

NM_001197104.2(KMT2A):c.9335G>T (p.Ser3112Ile)

Gene: KMT2A (lysine methyltransferase 2A; plus strand). Cytogenetic location: 11q23.3.
Variant type: single nucleotide variant.
Coding change: c.9335G>T on transcript NM_001197104.2 (MANE Select); coding-DNA position 9335, G replaced by T.
Protein change: p.Ser3112Ile; replaces serine 3112 with isoleucine.
Molecular consequence: missense variant.
Genome position (GRCh38, 1-based): chr11:118,505,227, G>T. VCF-style: chr11-118505227-G-T. GRCh37 (hg19) VCF-style: chr11-118375942-G-T.
Other names: c.9425G>T, p.Ser3142Ile (NM_001412597.1); c.9326G>T, p.Ser3109Ile (NM_005933.4); short protein forms S3109I, S3142I, S3112I.
Identifiers: ClinVar variation 2987043 (VCV002987043.3), dbSNP rs1950560474, ClinGen allele CA382819951.